The following is an entry in ClinVar:

NM_024642.5(GALNT12):c.388T>A (p.Tyr130Asn)

Gene: GALNT12 (polypeptide N-acetylgalactosaminyltransferase 12; plus strand). Cytogenetic location: 9q22.33.
Variant type: single nucleotide variant.
Coding change: c.388T>A on transcript NM_024642.5 (MANE Select); coding-DNA position 388, T replaced by A.
Protein change: p.Tyr130Asn; replaces tyrosine 130 with asparagine.
Molecular consequence: missense variant.
Genome position (GRCh38, 1-based): chr9:98,823,272, T>A. VCF-style: chr9-98823272-T-A. GRCh37 (hg19) VCF-style: chr9-101585554-T-A.
Other names: short protein forms Y130N.
Identifiers: ClinVar variation 4261481 (VCV004261481.1).

ClinVar aggregate classification (germline): Uncertain significance (1 of 4 stars; one submission).

gnomAD v4.1: 5 of 1,614,134 alleles (0.00031%); highest among the groups gnomAD compares: Middle Eastern, 0.016%; no homozygotes.

Submission:

Ambry Genetics
Classification: Uncertain significance. Last evaluated: 2025-06-22. Review status: criteria provided, single submitter. Criteria: Ambry Variant Classification Scheme 2023. Collection method: clinical testing. Allele origin: germline.
Comment: The p.Y130N variant (also known as c.388T>A), located in coding exon 2 of the GALNT12 gene, results from a T to A substitution at nucleotide position 388. The tyrosine at codon 130 is replaced by asparagine, an amino acid with dissimilar properties. This amino acid position is conserved. In addition, this alteration is predicted to be deleterious by in silico analysis. Based on the available evidence, the clinical significance of this variant remains unclear.